The following is an entry in ClinVar:

ClinVar aggregate classification (germline): Pathogenic/Likely pathogenic. Review status: criteria provided, multiple submitters, no conflicts (2 of 4 stars). 6 submissions from 6 submitters: Pathogenic (5); Likely pathogenic (1). Last evaluated 2023-04-12.

Conditions:
MUT-related disorders.
Methylmalonic acidemia (MMA). Also called: Isolated Methylmalonic Acidemia. Identifiers: MedGen C0268583, MeSH C537358, MONDO:0002012, HP:0002912.
Methylmalonic aciduria due to methylmalonyl-CoA mutase deficiency (MAMM). Also called: Methylmalonic aciduria, mut type. Identifiers: Orphanet 27, MedGen C1855114, MONDO:0009612, OMIM 251000.

Submissions (6):

Labcorp Genetics (formerly Invitae), Labcorp
Classification: Pathogenic. Last evaluated: 2023-04-12. Review status: criteria provided, single submitter. Criteria: Invitae Variant Classification Sherloc (09022015). Collection method: clinical testing. Allele origin: germline.
Comment: For these reasons, this variant has been classified as Pathogenic. This variant is also known as 2270del4/ins5 and c.2194-2197del4ins5 (p.Ala732fsX737). This premature translational stop signal has been observed in individual(s) with methylmalonic acidemia (PMID: 10923046, 16281286, 16435223, 27167370). Information on the frequency of this variant in the gnomAD database is not available, as this variant may be reported differently in the database. This sequence change creates a premature translational stop signal (p.Ala732Trpfs*6) in the MUT gene. While this is not anticipated to result in nonsense mediated decay, it is expected to disrupt the last 19 amino acid(s) of the MUT protein.

CeGaT Center for Human Genetics Tuebingen
Classification: Pathogenic. Last evaluated: 2022-10-01. Review status: criteria provided, single submitter. Criteria: CeGaT Center For Human Genetics Tuebingen Variant Classification Criteria Version 2. Collection method: clinical testing. Allele origin: germline. Affected: yes. Observed: 2 variant alleles.
Comment: MMUT: PVS1, PM2, PS4:Supporting

Fulgent Genetics
Classification: Likely pathogenic for Methylmalonic aciduria due to methylmalonyl-CoA mutase deficiency. Last evaluated: 2021-11-08. Review status: criteria provided, single submitter. Criteria: ACMG Guidelines, 2015. Collection method: clinical testing. Allele origin: unknown.

Blueprint Genetics
Classification: Pathogenic for MUT-related disorders. Last evaluated: 2020-12-03. Review status: criteria provided, single submitter. Criteria: ACMG Guidelines, 2015. Collection method: clinical testing. Allele origin: germline. Affected: yes. Observed: 1 variant allele.

Women's Health and Genetics/Laboratory Corporation of America, LabCorp
Classification: Pathogenic for Methylmalonic acidemia. Last evaluated: 2018-08-27. Review status: criteria provided, single submitter. Criteria: LabCorp Variant Classification Summary - May 2015. Collection method: clinical testing. Allele origin: germline.
Comment: Variant summary: MUT c.2194_2197delinsTGGAA (p.Ala732TrpfsX6) results in a premature termination codon, predicted to cause a truncation of the encoded protein or absence of the protein due to nonsense mediated decay, which are commonly known mechanisms for disease. The variant was absent in 246164 control chromosomes (gnomAD). c.2194_2197delinsTGGAA has been reported in the literature in individuals affected with Methylmalonic Acidemia (Cavicchi_2005, Forny_2016, Worgan_2006). These data indicate that the variant is likely to be associated with disease. At least one publication reports experimental evidence evaluating an impact on protein function. The most pronounced variant effect results in <10% of normal activity. No clinical diagnostic laboratories have submitted clinical-significance assessments for this variant to ClinVar after 2014. Based on the evidence outlined above, the variant was classified as pathogenic.

University Children's Hospital, University of Zurich
Classification: Pathogenic for Methylmalonic aciduria due to methylmalonyl-CoA mutase deficiency. Review status: criteria provided, single submitter. Criteria: Forny et al. (Hum Mutat. 2016). Collection method: clinical testing. Allele origin: germline. Inheritance: Autosomal recessive inheritance. Affected: yes.

Literature cited by the submitters: PubMed 10923046 (cited by Labcorp Genetics (formerly Invitae), Labcorp and Women's Health and Genetics/Laboratory Corporation of America, LabCorp); PubMed 16281286 (cited by Labcorp Genetics (formerly Invitae), Labcorp and Women's Health and Genetics/Laboratory Corporation of America, LabCorp); PubMed 16435223 (cited by Labcorp Genetics (formerly Invitae), Labcorp and Women's Health and Genetics/Laboratory Corporation of America, LabCorp); PubMed 27167370 (cited by Labcorp Genetics (formerly Invitae), Labcorp); PubMed 25736335 (cited by University Children's Hospital, University of Zurich).

NM_000255.4(MMUT):c.2194_2197delinsTGGAA (p.Ala732fs)

Gene: MMUT (methylmalonyl-CoA mutase; minus strand). Cytogenetic location: 6p12.3.
Variant type: Indel.
Coding change: c.2194_2197delinsTGGAA on transcript NM_000255.4 (MANE Select); coding-DNA positions 2194 to 2197, GCCG replaced by TGGAA.
Protein change: p.Ala732fs; shifts the reading frame from alanine 732.
Molecular consequence: frameshift variant.
Genome position (GRCh38, 1-based): chr6:49,431,784-49,431,787, CGGC replaced by TTCCA on the plus strand (GCCG replaced by TGGAA on the coding strand, the reverse complement: MMUT is on the minus strand). VCF-style: chr6-49431784-CGGC-TTCCA. GRCh37 (hg19) VCF-style: chr6-49399497-CGGC-TTCCA.
Other names: short protein forms A732fs.
Identifiers: ClinVar variation 222942 (VCV000222942.39), dbSNP rs879253851, ClinGen allele CA10575856.